The following is an entry in ClinVar:

ClinVar aggregate classification (germline): Uncertain significance (1 of 4 stars; one submission).

Conditions:
Facioscapulohumeral muscular dystrophy 2 (FSHD2). Also called: MUSCULAR DYSTROPHY, FACIOSCAPULOHUMERAL, TYPE 1B; FACIOSCAPULOHUMERAL MUSCULAR DYSTROPHY 2, DIGENIC; FSHD2, DIGENIC. Identifiers: Orphanet 269, MedGen C1834671, MONDO:0008031, OMIM 158901.

gnomAD v4.1: 4 of 1,608,408 alleles (0.00025%); highest among the groups gnomAD compares: East Asian, 0.0045%; no homozygotes.

Submission:

Labcorp Genetics (formerly Invitae), Labcorp
Classification: Uncertain significance for Facioscapulohumeral muscular dystrophy 2. Last evaluated: 2025-02-17. Review status: criteria provided, single submitter. Criteria: Invitae Variant Classification Sherloc (09022015). Collection method: clinical testing. Allele origin: germline.
Comment: This sequence change falls in intron 6 of the SMCHD1 gene. It does not directly change the encoded amino acid sequence of the SMCHD1 protein. It affects a nucleotide within the consensus splice site. This variant is not present in population databases (gnomAD no frequency). This variant has not been reported in the literature in individuals affected with SMCHD1-related conditions. Variants that disrupt the consensus splice site are a relatively common cause of aberrant splicing (PMID: 17576681, 9536098). Algorithms developed to predict the effect of sequence changes on RNA splicing suggest that this variant is not likely to affect RNA splicing. In summary, the available evidence is currently insufficient to determine the role of this variant in disease. Therefore, it has been classified as a Variant of Uncertain Significance.

Literature cited by the submitters: PubMed 17576681; PubMed 9536098.

NM_015295.3(SMCHD1):c.753+3A>G

Gene: SMCHD1 (structural maintenance of chromosomes flexible hinge domain containing 1; plus strand). Cytogenetic location: 18p11.32.
Variant type: single nucleotide variant.
Coding change: c.753+3A>G on transcript NM_015295.3 (MANE Select); 3 bases into the intron after coding-DNA position 753, A replaced by G.
Molecular consequence: intron variant.
Genome position (GRCh38, 1-based): chr18:2,688,511, A>G. VCF-style: chr18-2688511-A-G. GRCh37 (hg19) VCF-style: chr18-2688509-A-G.
Identifiers: ClinVar variation 3666810 (VCV003666810.2).